The following is an entry in ClinVar:

NM_020937.4(FANCM):c.4672G>C (p.Asp1558His)

Gene: FANCM (FA complementation group M; plus strand). Cytogenetic location: 14q21.2.
Variant type: single nucleotide variant.
Coding change: c.4672G>C on transcript NM_020937.4 (MANE Select); coding-DNA position 4672, G replaced by C.
Protein change: p.Asp1558His; replaces aspartic acid 1558 with histidine.
Molecular consequence: missense variant.
Genome position (GRCh38, 1-based): chr14:45,185,373, G>C. VCF-style: chr14-45185373-G-C. GRCh37 (hg19) VCF-style: chr14-45654576-G-C.
Other names: c.4594G>C, p.Asp1532His (NM_001308133.2); short protein forms D1532H, D1558H.
Identifiers: ClinVar variation 862052 (VCV000862052.10), dbSNP rs1251556461, ClinGen allele CA389608456.

ClinVar aggregate classification (germline): Uncertain significance. Review status: criteria provided, multiple submitters, no conflicts (2 of 4 stars). 3 submissions from 3 submitters: Uncertain significance (3). Last evaluated 2025-03-17.

Conditions:
Spermatogenic failure 28. Identifiers: MedGen C4748117, MONDO:0054732, OMIM 618086.
Premature ovarian failure 15. Identifiers: MedGen C4748170, MONDO:0054862, OMIM 618096.
Fanconi anemia (FA). Also called: Fanconi's anemia. Identifiers: Orphanet 84, MedGen C0015625, MeSH D005199, MONDO:0019391.

Allele frequency attached by ClinVar (database versions not stated): gnomAD 0.00001; gnomAD exomes 0.00001; TOPMed 0.00001.
gnomAD v4.1: 4 of 1,554,542 alleles (0.00026%); highest among the groups gnomAD compares: Non-Finnish European, 0.00035%; no homozygotes.

Submissions (3):

GeneDx
Classification: Uncertain significance. Last evaluated: 2025-03-17. Review status: criteria provided, single submitter. Criteria: GeneDx Variant Classification Process June 2021. Collection method: clinical testing. Allele origin: germline. Affected: yes.
Comment: Not observed at significant frequency in large population cohorts (gnomAD); In silico analysis supports that this missense variant has a deleterious effect on protein structure/function; In silico analysis supports a deleterious effect on splicing; Has not been previously published as pathogenic or benign to our knowledge

Labcorp Genetics (formerly Invitae), Labcorp
Classification: Uncertain significance for Fanconi anemia. Last evaluated: 2023-07-16. Review status: criteria provided, single submitter. Criteria: Invitae Variant Classification Sherloc (09022015). Collection method: clinical testing. Allele origin: germline.
Comment: This variant is present in population databases (no rsID available, gnomAD 0.002%). This sequence change replaces aspartic acid, which is acidic and polar, with histidine, which is basic and polar, at codon 1558 of the FANCM protein (p.Asp1558His). This variant also falls at the last nucleotide of exon 18, which is part of the consensus splice site for this exon. This variant has not been reported in the literature in individuals affected with FANCM-related conditions. ClinVar contains an entry for this variant (Variation ID: 862052). An algorithm developed to predict the effect of missense changes on protein structure and function (PolyPhen-2) suggests that this variant is likely to be disruptive. Variants that disrupt the consensus splice site are a relatively common cause of aberrant splicing (PMID: 17576681, 9536098). Algorithms developed to predict the effect of sequence changes on RNA splicing suggest that this variant may disrupt the consensus splice site. In summary, the available evidence is currently insufficient to determine the role of this variant in disease. Therefore, it has been classified as a Variant of Uncertain Significance.

Fulgent Genetics
Classification: Uncertain significance for Spermatogenic failure 28; Premature ovarian failure 15. Last evaluated: 2022-03-28. Review status: criteria provided, single submitter. Criteria: ACMG Guidelines, 2015. Collection method: clinical testing. Allele origin: unknown.

Literature cited by the submitters: PubMed 17576681 (cited by Labcorp Genetics (formerly Invitae), Labcorp); PubMed 9536098 (cited by Labcorp Genetics (formerly Invitae), Labcorp).